The following is an entry in ClinVar:

NM_000303.3(PMM2):c.447+2T>A

Gene: PMM2 (phosphomannomutase 2; plus strand). Cytogenetic location: 16p13.2.
Variant type: single nucleotide variant.
Coding change: c.447+2T>A on transcript NM_000303.3 (MANE Select); the canonical splice donor site of the intron after coding-DNA position 447, T replaced by A.
Molecular consequence: splice donor variant.
Genome position (GRCh38, 1-based): chr16:8,811,180, T>A. VCF-style: chr16-8811180-T-A. GRCh37 (hg19) VCF-style: chr16-8905037-T-A.
Identifiers: ClinVar variation 1519436 (VCV001519436.8), dbSNP rs1567160054, ClinGen allele CA394696752.

ClinVar aggregate classification (germline): Likely pathogenic (1 of 4 stars; one submission).

Conditions:
PMM2-congenital disorder of glycosylation. Also called: PHOSPHOMANNOMUTASE 2 DEFICIENCY; CARBOHYDRATE-DEFICIENT GLYCOPROTEIN SYNDROME, TYPE Ia; CDG Ia; Congenital disorder of glycosylation, type Ia; PMM2-CDG; JAEKEN SYNDROME. Identifiers: Orphanet 79318, MedGen C0349653, MONDO:0008907, OMIM 212065.

Submission:

Labcorp Genetics (formerly Invitae), Labcorp
Classification: Likely pathogenic for PMM2-congenital disorder of glycosylation. Last evaluated: 2020-11-13. Review status: criteria provided, single submitter. Criteria: Invitae Variant Classification Sherloc (09022015). Collection method: clinical testing. Allele origin: germline.
Comment: In summary, the currently available evidence indicates that the variant is pathogenic, but additional data are needed to prove that conclusively. Therefore, this variant has been classified as Likely Pathogenic. Algorithms developed to predict the effect of sequence changes on RNA splicing suggest that this variant may disrupt the consensus splice site, but this prediction has not been confirmed by published transcriptional studies. This variant has not been reported in the literature in individuals with PMM2-related conditions. This variant is not present in population databases (ExAC no frequency). This sequence change affects a donor splice site in intron 5 of the PMM2 gene. It is expected to disrupt RNA splicing. Variants that disrupt the donor or acceptor splice site typically lead to a loss of protein function (PMID: 16199547), and loss-of-function variants in PMM2 are known to be pathogenic (PMID: 19862844).

Literature cited by the submitters: PubMed 16199547; PubMed 19862844.